The following is an entry in ClinVar:

ClinVar aggregate classification (germline): Uncertain significance (1 of 4 stars; one submission).

Submission:

Women's Health and Genetics/Laboratory Corporation of America, LabCorp
Classification: Uncertain significance. Last evaluated: 2026-01-07. Review status: criteria provided, single submitter. Criteria: LabCorp Variant Classification Summary - May 2015. Collection method: clinical testing. Allele origin: germline.
Comment: Variant summary: NCDN c.1984C>T (p.Arg662Cys) results in a non-conservative amino acid change in the encoded protein sequence. Algorithms developed to predict the effect of missense changes on protein structure and function are either unavailable or do not agree on the potential impact of this missense change. The variant allele was found at a frequency of 1.9e-06 in 1602396 control chromosomes (gnomAD). The available data on variant occurrences in the general population are insufficient to allow any conclusion about variant significance. To our knowledge, no occurrence of c.1984C>T in individuals affected with NCDN-related conditions and no experimental evidence demonstrating its impact on protein function have been reported. No submitters have cited clinical-significance assessments for this variant to ClinVar. Based on the evidence outlined above, the variant was classified as uncertain significance.

NM_014284.3(NCDN):c.1984C>T (p.Arg662Cys)

Gene: NCDN (neurochondrin; plus strand). Cytogenetic location: 1p34.3.
Variant type: single nucleotide variant.
Coding change: c.1984C>T on transcript NM_014284.3 (MANE Select); coding-DNA position 1984, C replaced by T.
Protein change: p.Arg662Cys; replaces arginine 662 with cysteine.
Molecular consequence: missense variant.
Genome position (GRCh38, 1-based): chr1:35,565,457, C>T. VCF-style: chr1-35565457-C-T. GRCh37 (hg19) VCF-style: chr1-36031058-C-T.
Other names: c.1984C>T, p.Arg662Cys (NM_001014839.2); c.1933C>T, p.Arg645Cys (NM_001014841.2); short protein forms R645C, R662C.
Identifiers: ClinVar variation 4689555 (VCV004689555.1).
Genomic context (GRCh38, chr1:35,565,457, plus strand): 5'-CAGGCCTTCACCGGCTGTGTGCCTCTGCTGCCCTGGCTGGCCCCCGCTGCCCTGCGCTCC[C>T]GCTGGCCGCAGGAGCTGCTCCAGCTGCTAGGCAGTGTCAGCCCCAACTCTGTCAAGCCCG-3'
Protein context (NP_055099.1, residues 652-672): PWLAPAALRS[Arg662Cys]WPQELLQLLG